The following is an entry in ClinVar:

ClinVar aggregate classification (germline): Uncertain significance. Review status: criteria provided, multiple submitters, no conflicts (2 of 4 stars). 3 submissions from 3 submitters: Uncertain significance (3). Last evaluated 2024-11-26.

Conditions:
Leber congenital amaurosis 1 (LCA1). Also called: Congenital absence of the rods and cones; Leber's congenital tapetoretinal degeneration; Leber's congenital tapetoretinal dysplasia; RETINAL BLINDNESS, CONGENITAL; AMAUROSIS CONGENITA OF LEBER I. Identifiers: Orphanet 65, MedGen C2931258, MONDO:0008764, OMIM 204000.
Cone-rod dystrophy 6 (CORD6). Also called: Cone dystrophy progressive; RETINAL CONE DYSTROPHY 2. Identifiers: Orphanet 1872, MedGen C1866293, MONDO:0011143, OMIM 601777.

Allele frequency attached by ClinVar (database versions not stated): ExAC 0.00001; gnomAD 0.00001; gnomAD exomes 0.00001 and 0.00002; TOPMed 0.00001; ESP Exome Variant Server 0.00008.
gnomAD v4.1: 32 of 1,613,886 alleles (0.002%); highest among the groups gnomAD compares: African/African-American, 0.0027%; no homozygotes.

Submissions (3):

Women's Health and Genetics/Laboratory Corporation of America, LabCorp
Classification: Uncertain significance. Last evaluated: 2024-11-26. Review status: criteria provided, single submitter. Criteria: LabCorp Variant Classification Summary - May 2015. Collection method: clinical testing. Allele origin: germline.
Comment: Variant summary: GUCY2D c.2062G>A (p.Gly688Arg) results in a non-conservative amino acid change located in the Protein kinase domain (IPR000719) of the encoded protein sequence. Three of five in-silico tools predict a benign effect of the variant on protein function. The variant allele was found at a frequency of 1.2e-05 in 250616 control chromosomes. The available data on variant occurrences in the general population are insufficient to allow any conclusion about variant significance. c.2062G>A has been reported in the literature in at-least one individual affected with Leber Congenital Amaurosis (example, Srikrupa_2018). These data do not allow any conclusion about variant significance. To our knowledge, no experimental evidence demonstrating an impact on protein function has been reported. The following publication has been ascertained in the context of this evaluation (PMID: 29068479). ClinVar contains an entry for this variant (Variation ID: 1382488). Based on the evidence outlined above, the variant was classified as uncertain significance.

Labcorp Genetics (formerly Invitae), Labcorp
Classification: Uncertain significance for Leber congenital amaurosis 1; Cone-rod dystrophy 6. Last evaluated: 2024-10-25. Review status: criteria provided, single submitter. Criteria: Invitae Variant Classification Sherloc (09022015). Collection method: clinical testing. Allele origin: germline.
Comment: This sequence change replaces glycine, which is neutral and non-polar, with arginine, which is basic and polar, at codon 688 of the GUCY2D protein (p.Gly688Arg). This variant is present in population databases (rs144291605, gnomAD 0.002%). This missense change has been observed in individual(s) with clinical features of Leber congenital amaurosis (PMID: 29068479). ClinVar contains an entry for this variant (Variation ID: 1382488). Invitae Evidence Modeling of protein sequence and biophysical properties (such as structural, functional, and spatial information, amino acid conservation, physicochemical variation, residue mobility, and thermodynamic stability) indicates that this missense variant is not expected to disrupt GUCY2D protein function with a negative predictive value of 80%. In summary, the available evidence is currently insufficient to determine the role of this variant in disease. Therefore, it has been classified as a Variant of Uncertain Significance.

Blueprint Genetics
Classification: Uncertain significance. Last evaluated: 2018-12-11. Review status: criteria provided, single submitter. Criteria: ACMG Guidelines, 2015. Collection method: clinical testing. Allele origin: germline.

Literature cited by the submitters: PubMed 29068479 (cited by Women's Health and Genetics/Laboratory Corporation of America, LabCorp and Labcorp Genetics (formerly Invitae), Labcorp).

NM_000180.4(GUCY2D):c.2062G>A (p.Gly688Arg)

Gene: GUCY2D (guanylate cyclase 2D, retinal; plus strand). Cytogenetic location: 17p13.1.
Variant type: single nucleotide variant.
Coding change: c.2062G>A on transcript NM_000180.4 (MANE Select); coding-DNA position 2062, G replaced by A.
Protein change: p.Gly688Arg; replaces glycine 688 with arginine.
Molecular consequence: missense variant.
Genome position (GRCh38, 1-based): chr17:8,012,555, G>A. VCF-style: chr17-8012555-G-A. GRCh37 (hg19) VCF-style: chr17-7915873-G-A.
Other names: short protein forms G688R.
Identifiers: ClinVar variation 1382488 (VCV001382488.8), dbSNP rs144291605, ClinGen allele CA8365979.
Genomic context (GRCh38, chr17:8,012,555, plus strand): 5'-AAGTCACGGAACTGCATAGTGGATGGCAGATTCGTACTCAAGATCACTGACCACGGCCAC[G>A]GGAGACTGCTGGAAGCACAGAAGGTGCTACCGGAGCCTCCCAGAGCGGAGGGTAAGAGTC-3'
Protein context (NP_000171.1, residues 678-698): FVLKITDHGH[Gly688Arg]RLLEAQKVLP